The following is an entry in ClinVar:

NM_006030.4(CACNA2D2):c.2368C>G (p.His790Asp)

Genes: CACNA2D2 (calcium voltage-gated channel auxiliary subunit alpha2delta 2; minus strand), LOC101928965 (uncharacterized LOC101928965; plus strand), LOC127898564 (CYB561D2-LOC101928965; plus strand). Cytogenetic location: 3p21.31.
Variant type: single nucleotide variant.
Coding change: c.2368C>G on transcript NM_006030.4 (MANE Select); coding-DNA position 2368, C replaced by G.
Protein change: p.His790Asp; replaces histidine 790 with aspartic acid.
Molecular consequence: missense variant.
Genome position (GRCh38, 1-based): chr3:50,367,427, G>C on the plus strand (C>G on the coding strand, the complement: CACNA2D2 is on the minus strand). VCF-style: chr3-50367427-G-C. GRCh37 (hg19) VCF-style: chr3-50404858-G-C.
Other names: c.2368C>G, p.His790Asp (NM_001005505.3); c.2389C>G, p.His797Asp (NM_001174051.3); c.2161C>G, p.His721Asp (NM_001291101.1); short protein forms H721D, H790D, H797D.
Identifiers: ClinVar variation 1022976 (VCV001022976.5), dbSNP rs754649287, ClinGen allele CA2418506.

ClinVar aggregate classification (germline): Uncertain significance (1 of 4 stars; one submission).

Conditions:
Developmental and epileptic encephalopathy. Identifiers: MedGen C5779964, MONDO:0100620.

Allele frequency attached by ClinVar (database versions not stated): TOPMed 0.00002; gnomAD exomes below 0.00001 and 0.00002; ExAC 0.00002.
gnomAD v4.1: 6 of 1,613,880 alleles (0.00037%); highest among the groups gnomAD compares: Admixed American, 0.0083%; no homozygotes.

Submission:

Labcorp Genetics (formerly Invitae), Labcorp
Classification: Uncertain significance for Early-infantile DEE. Last evaluated: 2022-03-29. Review status: criteria provided, single submitter. Criteria: Invitae Variant Classification Sherloc (09022015). Collection method: clinical testing. Allele origin: germline.
Comment: In summary, the available evidence is currently insufficient to determine the role of this variant in disease. Therefore, it has been classified as a Variant of Uncertain Significance. This sequence change replaces histidine, which is basic and polar, with aspartic acid, which is acidic and polar, at codon 790 of the CACNA2D2 protein (p.His790Asp). This variant is present in population databases (rs754649287, gnomAD 0.01%). This variant has not been reported in the literature in individuals affected with CACNA2D2-related conditions. ClinVar contains an entry for this variant (Variation ID: 1022976). Algorithms developed to predict the effect of missense changes on protein structure and function are either unavailable or do not agree on the potential impact of this missense change (SIFT: "Deleterious"; PolyPhen-2: "Benign"; Align-GVGD: "Class C0").